The following is an entry in ClinVar:

ClinVar aggregate classification (germline): Uncertain significance. Review status: criteria provided, multiple submitters, no conflicts (2 of 4 stars). 3 submissions from 3 submitters: Uncertain significance (3). Last evaluated 2022-09-06.

Conditions:
Peroxisome biogenesis disorder 11A (Zellweger). Also called: Peroxisome biogenesis disorder 11A. Identifiers: Orphanet 912, MedGen C3554000, MONDO:0013949, OMIM 614883.
Inborn genetic diseases. Identifiers: MedGen C0950123, MeSH D030342.

Allele frequency attached by ClinVar (database versions not stated): TOPMed 0.00002; gnomAD 0.00001.
gnomAD v4.1: 3 of 1,614,050 alleles (0.00019%); highest among the groups gnomAD compares: Admixed American, 0.0017%; no homozygotes.

Submissions (3):

Ambry Genetics
Classification: Uncertain significance for Inborn genetic diseases. Last evaluated: 2022-09-06. Review status: criteria provided, single submitter. Criteria: Ambry Variant Classification Scheme 2023. Collection method: clinical testing. Allele origin: germline.

Labcorp Genetics (formerly Invitae), Labcorp
Classification: Uncertain significance for Peroxisome biogenesis disorder 11A (Zellweger). Last evaluated: 2021-09-01. Review status: criteria provided, single submitter. Criteria: Invitae Variant Classification Sherloc (09022015). Collection method: clinical testing. Allele origin: germline.
Comment: This sequence change replaces valine with methionine at codon 137 of the PEX13 protein (p.Val137Met). The valine residue is highly conserved and there is a small physicochemical difference between valine and methionine. This variant is not present in population databases (ExAC no frequency). This variant has not been reported in the literature in individuals affected with PEX13-related conditions. ClinVar contains an entry for this variant (Variation ID: 597066). Algorithms developed to predict the effect of missense changes on protein structure and function are either unavailable or do not agree on the potential impact of this missense change (SIFT: "Deleterious"; PolyPhen-2: "Probably Damaging"; Align-GVGD: "Class C0"). In summary, the available evidence is currently insufficient to determine the role of this variant in disease. Therefore, it has been classified as a Variant of Uncertain Significance.

Eurofins Ntd Llc (ga)
Classification: Uncertain significance. Last evaluated: 2018-04-27. Review status: criteria provided, single submitter. Criteria: EGL ClinVar v180209 classification definitions. Collection method: clinical testing. Allele origin: germline. Observed: 1 variant allele, 1 heterozygote.

NM_002618.4(PEX13):c.409G>A (p.Val137Met)

Gene: PEX13 (peroxisomal biogenesis factor 13; plus strand). Cytogenetic location: 2p15.
Variant type: single nucleotide variant.
Coding change: c.409G>A on transcript NM_002618.4 (MANE Select); coding-DNA position 409, G replaced by A.
Protein change: p.Val137Met; replaces valine 137 with methionine.
Molecular consequence: missense variant.
Genome position (GRCh38, 1-based): chr2:61,031,735, G>A. VCF-style: chr2-61031735-G-A. GRCh37 (hg19) VCF-style: chr2-61258870-G-A.
Other names: c.409G>A (NM_002618.3); short protein forms V137M.
Identifiers: ClinVar variation 597066 (VCV000597066.10), dbSNP rs768438349, ClinGen allele CA48342295.
Genomic context (GRCh38, chr2:61,031,735, plus strand): 5'-AGATTTGTTCAGCAAGCTGAAGAAAGCAGCAGGGGTGCATTTCAGTCCATTGAAAGTATT[G>A]TGCATGCATTTGCCTCTGTCAGTATGATGATGGATGCTACCTTTTCAGCTGTCTATAACA-3'
Protein context (NP_002609.1, residues 127-147): RGAFQSIESI[Val137Met]HAFASVSMMM